The following is an entry in ClinVar:

ClinVar aggregate classification (germline): Uncertain significance (1 of 4 stars; one submission).

Conditions:
Monocytopenia with susceptibility to infections. Also called: Dendritic cell, monocyte, B lymphocyte, and natural killer lymphocyte deficiency; MONOCYTOPENIA AND MYCOBACTERIAL INFECTION SYNDROME; MONOCYTOPENIA WITH SUSCEPTIBILITY TO MYCOBACTERIAL, FUNGAL, AND PAPILLOMAVIRUS INFECTIONS AND MYELODYSPLASIA; COMBINED IMMUNODEFICIENCY WITH SUSCEPTIBILITY TO MYCOBACTERIAL, VIRAL, AND FUNGAL INFECTIONS; IMMUNODEFICIENCY 21; GATA2 DEFICIENCY. Identifiers: Orphanet 228423, MedGen C3280030, MONDO:0013607, OMIM 614172.
Deafness-lymphedema-leukemia syndrome. Also called: Lymphedema, primary, with myelodysplasia; Emberger syndrome. Identifiers: Orphanet 3226, MedGen C3279664, MONDO:0013540, OMIM 614038.

Allele frequency attached by ClinVar (database versions not stated): gnomAD exomes below 0.00001.
gnomAD v4.1: 1 of 1,610,850 alleles (0.000062%); highest among the groups gnomAD compares: Non-Finnish European, 0.000085%; no homozygotes.

Submission:

Labcorp Genetics (formerly Invitae), Labcorp
Classification: Uncertain significance for Monocytopenia with susceptibility to infections; Deafness-lymphedema-leukemia syndrome. Last evaluated: 2020-07-09. Review status: criteria provided, single submitter. Criteria: Invitae Variant Classification Sherloc (09022015). Collection method: clinical testing. Allele origin: germline.
Comment: Algorithms developed to predict the effect of sequence changes on RNA splicing suggest that this variant may create or strengthen a splice site, but this prediction has not been confirmed by published transcriptional studies. Algorithms developed to predict the effect of missense changes on protein structure and function are either unavailable or do not agree on the potential impact of this missense change (SIFT: "Tolerated"; PolyPhen-2: "Probably Damaging"; Align-GVGD: "Class C0"). This variant has not been reported in the literature in individuals with GATA2-related conditions. This variant is not present in population databases (ExAC no frequency). This sequence change replaces alanine with valine at codon 66 of the GATA2 protein (p.Ala66Val). The alanine residue is moderately conserved and there is a small physicochemical difference between alanine and valine. In summary, the available evidence is currently insufficient to determine the role of this variant in disease. Therefore, it has been classified as a Variant of Uncertain Significance.

NM_032638.5(GATA2):c.197C>T (p.Ala66Val)

Gene: GATA2 (GATA binding protein 2; minus strand). Cytogenetic location: 3q21.3.
Variant type: single nucleotide variant.
Coding change: c.197C>T on transcript NM_032638.5 (MANE Select); coding-DNA position 197, C replaced by T.
Protein change: p.Ala66Val; replaces alanine 66 with valine.
Molecular consequence: missense variant.
Genome position (GRCh38, 1-based): chr3:128,486,835, G>A on the plus strand (C>T on the coding strand, the complement: GATA2 is on the minus strand). VCF-style: chr3-128486835-G-A. GRCh37 (hg19) VCF-style: chr3-128205678-G-A.
Other names: c.197C>T, p.Ala66Val (NM_001145661.2, NM_001145662.1); short protein forms A66V.
Identifiers: ClinVar variation 1001175 (VCV001001175.8), dbSNP rs2068707325, ClinGen allele CA354408328.